The following is an entry in ClinVar:

NM_021076.4(NEFH):c.81G>A (p.Ala27=)

Gene: NEFH (neurofilament heavy chain; plus strand). Cytogenetic location: 22q12.2.
Variant type: single nucleotide variant.
Coding change: c.81G>A on transcript NM_021076.4 (MANE Select); coding-DNA position 81, G replaced by A.
Protein change: p.Ala27=; no amino-acid change (alanine 27 retained).
Molecular consequence: synonymous variant.
Genome position (GRCh38, 1-based): chr22:29,480,343, G>A. VCF-style: chr22-29480343-G-A. GRCh37 (hg19) VCF-style: chr22-29876332-G-A.
Other names: p.Ala27=.
Identifiers: ClinVar variation 1632705 (VCV001632705.37), dbSNP rs527626972, ClinGen allele CA10173963.
Genomic context (GRCh38, chr22:29,480,343, plus strand): 5'-GGACGCGCTGCTGGGCGCCCCGTTCGCGCCGCTGCATGGCGGCGGCAGCCTCCACTACGC[G>A]CTAGCCCGAAAGGGTGGCGCAGGCGGGACGCGCTCCGCCGCTGGCTCCTCCAGCGGCTTC-3'
Protein context (NP_066554.2, residues 17-37): PLHGGGSLHY[Ala27=]LARKGGAGGT

ClinVar aggregate classification (germline): Benign/Likely benign. Review status: criteria provided, multiple submitters, no conflicts (2 of 4 stars). 4 submissions from 4 submitters: Benign (2); Likely benign (2). Last evaluated 2026-01-26.

Allele frequency attached by ClinVar (database versions not stated): 1000 Genomes Project 30x 0.00031; 1000 Genomes Project 0.00040; gnomAD exomes 0.00082 and 0.00112; ExAC 0.00430.

Submissions (4):

Labcorp Genetics (formerly Invitae), Labcorp
Classification: Benign. Last evaluated: 2026-01-26. Review status: criteria provided, single submitter. Criteria: Invitae Variant Classification Sherloc (09022015). Collection method: clinical testing. Allele origin: germline.

CeGaT Center for Human Genetics Tuebingen
Classification: Likely benign. Last evaluated: 2025-09-01. Review status: criteria provided, single submitter. Criteria: CeGaT Center For Human Genetics Tuebingen Variant Classification Criteria Version 2. Collection method: clinical testing. Allele origin: germline. Affected: yes. Observed: 6 variant alleles.
Comment: NEFH: BP4, BP7

Blueprint Genetics
Classification: Likely benign. Last evaluated: 2024-11-18. Review status: criteria provided, single submitter. Criteria: ACMG Guidelines, 2015. Collection method: clinical testing. Allele origin: germline.

Mayo Clinic Laboratories, Mayo Clinic
Classification: Benign. Last evaluated: 2024-08-09. Review status: criteria provided, single submitter. Criteria: ACMG Guidelines, 2015. Collection method: clinical testing. Allele origin: germline. Observed: 3 variant alleles.
Comment: BS1, BS2